The following is an entry in ClinVar:

ClinVar aggregate classification (germline): Pathogenic. Review status: criteria provided, multiple submitters, no conflicts (2 of 4 stars). 2 submissions from 2 submitters: Pathogenic (2). Last evaluated 2025-02-04.

Conditions:
Hereditary cancer-predisposing syndrome. Also called: Neoplastic Syndromes, Hereditary; Tumor predisposition; Hereditary Cancer Syndrome; Hereditary neoplastic syndrome. Identifiers: Orphanet 140162, MedGen C0027672, MeSH D009386, MONDO:0015356.
Lynch syndrome 4 (LYNCH4). Also called: Colorectal cancer, hereditary nonpolyposis, type 4; Hereditary non-polyposis colorectal cancer, type 4. Identifiers: Orphanet 144, MedGen C1838333, MONDO:0013699, OMIM 614337. Disease mechanism: loss of function.

Submissions (2):

Myriad Genetics, Inc.
Classification: Pathogenic for Lynch syndrome 4. Last evaluated: 2025-02-04. Review status: criteria provided, single submitter. Criteria: Myriad Autosomal Dominant, Autosomal Recessive and X-Linked Classification Criteria (2023). Collection method: clinical testing. Allele origin: unknown.
Comment: This variant is considered pathogenic. This variant creates a frameshift predicted to result in premature protein truncation.

Ambry Genetics
Classification: Pathogenic for Hereditary cancer-predisposing syndrome. Last evaluated: 2024-09-11. Review status: criteria provided, single submitter. Criteria: Ambry Variant Classification Scheme 2023. Collection method: clinical testing. Allele origin: germline.
Comment: The c.805_806dupAT pathogenic mutation, located in coding exon 8 of the PMS2 gene, results from a duplication of AT at nucleotide position 805, causing a translational frameshift with a predicted alternate stop codon (p.G271Qfs*37). This variant is considered to be rare based on population cohorts in the Genome Aggregation Database (gnomAD). This alteration is expected to result in loss of function by premature protein truncation or nonsense-mediated mRNA decay. As such, this alteration is interpreted as a disease-causing mutation.

NM_000535.7(PMS2):c.805_806dup (p.Gly271fs)

Gene: PMS2 (PMS1 homolog 2, mismatch repair system component; minus strand). Cytogenetic location: 7p22.1.
Variant type: Duplication.
Coding change: c.805_806dup on transcript NM_000535.7 (MANE Select); coding-DNA positions 805 to 806, 2 bases duplicated (AT; older notation c.805_806dupAT).
Protein change: p.Gly271fs; shifts the reading frame from glycine 271.
Molecular consequence: frameshift variant. On other transcripts: 5 prime UTR variant (2), non-coding transcript variant (1), intron variant (4).
Genome position (GRCh38, 1-based): chr7:5,995,631-5,995,632, AT duplicated on the plus strand (AT on the coding strand, the reverse complement: PMS2 is on the minus strand). VCF-style (leftmost placement, unchanged base first): chr7-5995630-G-GAT. GRCh37 (hg19) VCF-style: chr7-6035261-G-GAT.
Other names: c.805_806dup, p.Gly271fs (NM_001406872.1, NM_001322006.2, NM_001322014.2 and 2 more transcripts); c.637_638dup, p.Gly215fs (NM_001406874.1, NM_001406884.1); c.496_497dup, p.Gly168fs (NM_001406881.1, NM_001406877.1, NM_001406878.1 and 6 more transcripts); c.487_488dup, p.Gly165fs (NM_001406876.1, NM_001322007.2, NM_001322008.2 and 4 more transcripts); c.400_401dup, p.Gly136fs (NM_001322003.2, NM_001322004.2, NM_001322005.2 and 19 more transcripts); c.-129_-128dup (NM_001322011.2, NM_001322012.2); c.232_233dup, p.Gly80fs (NM_001322013.2, NM_001406909.1); c.991_992dup, p.Gly333fs (NM_001406866.1); and 9 more; short protein forms G159fs, G235fs, G271fs, G100fs, G136fs, G168fs, G80fs, G165fs.
Identifiers: ClinVar variation 3421497 (VCV003421497.2).